The following is an entry in ClinVar:

NM_001365536.1(SCN9A):c.443_444delinsAG (p.Pro148Gln)

Gene: SCN9A (sodium voltage-gated channel alpha subunit 9; minus strand). Cytogenetic location: 2q24.3.
Variant type: Indel.
Coding change: c.443_444delinsAG on transcript NM_001365536.1 (MANE Select); coding-DNA positions 443 to 444, CA replaced by AG.
Protein change: p.Pro148Gln; replaces proline 148 with glutamine.
Molecular consequence: missense variant.
Genome position (GRCh38, 1-based): chr2:166,306,533-166,306,534, TG replaced by CT on the plus strand (CA replaced by AG on the coding strand, the reverse complement: SCN9A is on the minus strand). VCF-style: chr2-166306533-TG-CT. GRCh37 (hg19) VCF-style: chr2-167163043-TG-CT.
Other names: c.443_444delCAinsAG, p.Pro148Gln (NM_002977.4); short protein forms P148Q.
Identifiers: ClinVar variation 2422399 (VCV002422399.6), dbSNP rs2468132808, ClinGen allele CA2580064355.

ClinVar aggregate classification (germline): Uncertain significance (1 of 4 stars; one submission).

Conditions:
Generalized epilepsy with febrile seizures plus, type 7 (GEFSP7). Also called: GEFS+, TYPE 7. Identifiers: Orphanet 36387, MedGen C2751778, MONDO:0013470, OMIM 613863.
Neuropathy, hereditary sensory and autonomic, type 2A (HSAN2A). Also called: MORVAN DISEASE; NEUROPATHY, CONGENITAL SENSORY; NEUROPATHY, HEREDITARY SENSORY RADICULAR, AUTOSOMAL RECESSIVE; NEUROPATHY, HEREDITARY SENSORY, TYPE IIA; NEUROPATHY, PROGRESSIVE SENSORY, OF CHILDREN; HSAN IIA. Identifiers: Orphanet 970, MedGen C2752089, MONDO:0024309, OMIM 201300.

Submission:

Labcorp Genetics (formerly Invitae), Labcorp
Classification: Uncertain significance for Neuropathy, hereditary sensory and autonomic, type 2A; Generalized epilepsy with febrile seizures plus, type 7. Last evaluated: 2023-02-23. Review status: criteria provided, single submitter. Criteria: Invitae Variant Classification Sherloc (09022015). Collection method: clinical testing. Allele origin: germline.
Comment: This sequence change replaces proline, which is neutral and non-polar, with glutamine, which is neutral and polar, at codon 148 of the SCN9A protein (p.Pro148Gln). Information on the frequency of this variant in the gnomAD database is not available, as this variant may be reported differently in the database. This variant has not been reported in the literature in individuals affected with SCN9A-related conditions. An algorithm developed to predict the effect of missense changes on protein structure and function (PolyPhen-2) suggests that this variant is likely to be disruptive. In summary, the available evidence is currently insufficient to determine the role of this variant in disease. Therefore, it has been classified as a Variant of Uncertain Significance.